The following is an entry in ClinVar:

NM_201596.3(CACNB2):c.804+123C>T

Gene: CACNB2 (calcium voltage-gated channel auxiliary subunit beta 2; plus strand). Cytogenetic location: 10p12.31.
Variant type: single nucleotide variant.
Coding change: c.804+123C>T on transcript NM_201596.3 (MANE Select); 123 bases into the intron after coding-DNA position 804, C replaced by T.
Molecular consequence: intron variant.
Genome position (GRCh38, 1-based): chr10:18,514,492, C>T. VCF-style: chr10-18514492-C-T. GRCh37 (hg19) VCF-style: chr10-18803421-C-T.
Other names: c.720+123C>T (NM_201571.4); c.587-19C>T (NM_001167945.2); c.587-488C>T (NM_201572.4); c.671-19C>T (NM_201593.3); c.671-488C>T (NM_201597.3); c.639+123C>T (NM_000724.4); c.506-19C>T (NM_001330060.2); c.642+123C>T (NM_201590.3); and 1 more.
Identifiers: ClinVar variation 389261 (VCV000389261.2), dbSNP rs148536895, ClinGen allele CA5429739.

ClinVar aggregate classification (germline): Likely benign. Review status: criteria provided, multiple submitters, no conflicts (2 of 4 stars). 2 submissions from 2 submitters: Likely benign (2). Last evaluated 2024-06-10.

Allele frequency attached by ClinVar (database versions not stated): ESP Exome Variant Server 0.00154; TOPMed 0.00156; gnomAD 0.00160 and 0.00174; 1000 Genomes Project 0.00240; 1000 Genomes Project 30x 0.00281.
gnomAD v4.1: 474 of 1,614,026 alleles (0.029%); highest among the groups gnomAD compares: African/African-American, 0.57%; 1 homozygote.

Submissions (2):

Blueprint Genetics
Classification: Likely benign. Last evaluated: 2024-06-10. Review status: criteria provided, single submitter. Criteria: ACMG Guidelines, 2015. Collection method: clinical testing. Allele origin: germline.

GeneDx
Classification: Likely benign. Last evaluated: 2016-09-15. Review status: criteria provided, single submitter. Criteria: GeneDx Variant Classification (06012015). Collection method: clinical testing. Allele origin: germline. Affected: yes.
Comment: This variant is considered likely benign or benign based on one or more of the following criteria: it is a conservative change, it occurs at a poorly conserved position in the protein, it is predicted to be benign by multiple in silico algorithms, and/or has population frequency not consistent with disease.